The following is an entry in ClinVar:

ClinVar aggregate classification (germline): Uncertain significance. Review status: criteria provided, multiple submitters, no conflicts (2 of 4 stars). 2 submissions from 2 submitters: Uncertain significance (2). Last evaluated 2025-02-08.

Conditions:
Inborn genetic diseases. Identifiers: MedGen C0950123, MeSH D030342.

Allele frequency attached by ClinVar (database versions not stated): ESP Exome Variant Server 0.00015.

Submissions (2):

Ambry Genetics
Classification: Uncertain significance for Inborn genetic diseases. Last evaluated: 2025-02-08. Review status: criteria provided, single submitter. Criteria: Ambry Variant Classification Scheme 2023. Collection method: clinical testing. Allele origin: germline.

Labcorp Genetics (formerly Invitae), Labcorp
Classification: Uncertain significance. Last evaluated: 2021-04-05. Review status: criteria provided, single submitter. Criteria: Invitae Variant Classification Sherloc (09022015). Collection method: clinical testing. Allele origin: germline.
Comment: This variant is present in population databases (rs369501784, ExAC 0.006%). This sequence change replaces proline with leucine at codon 1432 of the TUBGCP6 protein (p.Pro1432Leu). The proline residue is weakly conserved and there is a moderate physicochemical difference between proline and leucine. In summary, the available evidence is currently insufficient to determine the role of this variant in disease. Therefore, it has been classified as a Variant of Uncertain Significance. Algorithms developed to predict the effect of missense changes on protein structure and function are either unavailable or do not agree on the potential impact of this missense change (SIFT: "Tolerated"; PolyPhen-2: "Probably Damaging"; Align-GVGD: "Class C0"). This variant has not been reported in the literature in individuals with TUBGCP6-related conditions.

NM_020461.4(TUBGCP6):c.4295C>T (p.Pro1432Leu)

Gene: TUBGCP6 (tubulin gamma complex component 6; minus strand). Cytogenetic location: 22q13.33.
Variant type: single nucleotide variant.
Coding change: c.4295C>T on transcript NM_020461.4 (MANE Select); coding-DNA position 4295, C replaced by T.
Protein change: p.Pro1432Leu; replaces proline 1432 with leucine.
Molecular consequence: missense variant.
Genome position (GRCh38, 1-based): chr22:50,219,664, G>A on the plus strand (C>T on the coding strand, the complement: TUBGCP6 is on the minus strand). VCF-style: chr22-50219664-G-A. GRCh37 (hg19) VCF-style: chr22-50658093-G-A.
Other names: c.4295C>T (NM_020461.3); short protein forms P1432L.
Identifiers: ClinVar variation 1521370 (VCV001521370.7), dbSNP rs369501784, ClinGen allele CA10307594.